The following is an entry in ClinVar:

NM_005633.4(SOS1):c.1203-20T>C

Gene: SOS1 (SOS Ras/Rac guanine nucleotide exchange factor 1; minus strand). Cytogenetic location: 2p22.1.
Variant type: single nucleotide variant.
Coding change: c.1203-20T>C on transcript NM_005633.4 (MANE Select); 20 bases into the intron before coding-DNA position 1203, T replaced by C.
Molecular consequence: intron variant.
Genome position (GRCh38, 1-based): chr2:39,023,245, A>G on the plus strand (T>C on the coding strand, the complement: SOS1 is on the minus strand). VCF-style: chr2-39023245-A-G. GRCh37 (hg19) VCF-style: chr2-39250386-A-G.
Other names: c.1182-20T>C (NM_001382394.1); c.1203-20T>C (NM_001382395.1).
Identifiers: ClinVar variation 139235 (VCV000139235.29), dbSNP rs112906251, ClinGen allele CA273715.

ClinVar aggregate classification (germline): Benign/Likely benign. Review status: criteria provided, multiple submitters, no conflicts (2 of 4 stars). 12 submissions from 11 submitters: Benign (8); Likely benign (1). 3 of the submissions do not count toward it. Last evaluated 2026-02-04.

Conditions:
RASopathy. Also called: rasopathies; Noonan spectrum disorder. Identifiers: Orphanet 536391, MedGen C5555857, MONDO:0021060.
Noonan syndrome 4 (NS4). Also called: NOONAN SYNDROME WITH PIGMENTED VILLONODULAR SYNOVITIS; SOS1-Related Noonan Syndrome. Identifiers: Orphanet 648, MedGen C1853120, MONDO:0012547, OMIM 610733.
Fibromatosis, gingival, 1 (GINGF1). Identifiers: Orphanet 2024, MedGen C4551558, MONDO:0007609, OMIM 135300.

Allele frequency attached by ClinVar (database versions not stated): TOPMed 0.01110; 1000 Genomes Project 0.00779; ESP Exome Variant Server 0.00862; 1000 Genomes Project 30x 0.00874; ExAC 0.00934; gnomAD exomes 0.00938; gnomAD 0.01029 and 0.01058.
gnomAD v4.1: 13,052 of 1,590,624 alleles (0.82%); highest among the groups gnomAD compares: Middle Eastern, 3.9%; 86 homozygotes.

Submissions (12):

Labcorp Genetics (formerly Invitae), Labcorp
Classification: Benign for RASopathy. Last evaluated: 2026-02-04. Review status: criteria provided, single submitter. Criteria: Invitae Variant Classification Sherloc (09022015). Collection method: clinical testing. Allele origin: germline.

ARUP Laboratories, Molecular Genetics and Genomics, ARUP Laboratories
Classification: Benign. Last evaluated: 2025-05-20. Review status: criteria provided, single submitter. Criteria: ARUP Molecular Germline Variant Investigation Process 2024. Collection method: clinical testing. Allele origin: germline.

Blueprint Genetics
Classification: Likely benign. Last evaluated: 2024-11-26. Review status: criteria provided, single submitter. Criteria: ACMG Guidelines, 2015. Collection method: clinical testing. Allele origin: germline.

Women's Health and Genetics/Laboratory Corporation of America, LabCorp
Classification: Benign. Last evaluated: 2019-08-12. Review status: criteria provided, single submitter. Criteria: LabCorp Variant Classification Summary - May 2015. Collection method: clinical testing. Allele origin: germline.
Comment: Variant summary: SOS1 c.1203-20T>C alters a conserved nucleotide located close to a canonical splice site and therefore could affect mRNA splicing, leading to a significantly altered protein sequence. 5/5 computational tools predict no significant impact on normal splicing. However, these predictions have yet to be confirmed by functional studies. The variant allele was found at a frequency of 0.0094 in 246642 control chromosomes, predominantly at a frequency of 0.014 within the Latino subpopulation in the gnomAD database, including 6 homozygotes. The observed variant frequency within Latino control individuals in the gnomAD database is approximately 467-folds higher than the estimated maximal expected allele frequency for a pathogenic variant in SOS1 causing Noonan Syndrome and Related Conditions phenotype (3e-05), strongly suggesting that the variant is a benign polymorphism found primarily in populations of Latino origin. No clinical diagnostic laboratories have submitted clinical-significance assessments for this variant to ClinVar after 2014. Based on the evidence outlined above, the variant was classified as benign.

GeneDx
Classification: Benign. Last evaluated: 2012-03-04. Review status: criteria provided, single submitter. Criteria: GeneDx Variant Classification (06012015). Collection method: clinical testing. Allele origin: germline. Affected: yes.
Comment: This variant is considered likely benign or benign based on one or more of the following criteria: it is a conservative change, it occurs at a poorly conserved position in the protein, it is predicted to be benign by multiple in silico algorithms, and/or has population frequency not consistent with disease.

Breakthrough Genomics
Classification: Benign. Review status: criteria provided, single submitter. Criteria: ACMG Guidelines, 2015. Collection method: not provided. Allele origin: germline. Inheritance: Autosomal dominant inheritance. Affected: yes.

Genome-Nilou Lab
Classification: Benign for Noonan syndrome 4. Review status: criteria provided, single submitter. Criteria: ACMG Guidelines, 2015. Collection method: clinical testing. Allele origin: germline.

Genome-Nilou Lab
Classification: Benign for Fibromatosis, gingival, 1. Review status: criteria provided, single submitter. Criteria: ACMG Guidelines, 2015. Collection method: clinical testing. Allele origin: germline.

PreventionGenetics, part of Exact Sciences
Classification: Benign. Review status: criteria provided, single submitter. Criteria: ACMG Guidelines, 2015. Collection method: clinical testing. Allele origin: germline.

Clinical Genetics, Academic Medical Center
Classification: Benign. Review status: no assertion criteria provided. Collection method: clinical testing. Allele origin: germline. Affected: yes. Study: VKGL Data-share Consensus. Not counted in ClinVar's aggregate classification.

Diagnostic Laboratory, Department of Genetics, University Medical Center Groningen
Classification: Likely benign. Review status: no assertion criteria provided. Collection method: clinical testing. Allele origin: germline. Affected: yes. Study: VKGL Data-share Consensus. Not counted in ClinVar's aggregate classification.

Genome Diagnostics Laboratory, Amsterdam University Medical Center
Classification: Benign. Review status: no assertion criteria provided. Collection method: clinical testing. Allele origin: germline. Affected: yes. Study: VKGL Data-share Consensus. Not counted in ClinVar's aggregate classification.